The following is an entry in ClinVar:

NM_006721.4(ADK):c.564del (p.Thr190fs)

Genes: ADK (adenosine kinase; plus strand), ADK-AS1 (ADK antisense RNA 1; minus strand). Cytogenetic location: 10q22.2.
Variant type: Deletion.
Coding change: c.564del on transcript NM_006721.4 (MANE Select); coding-DNA position 564, one base deleted (T; older notation c.564delT).
Protein change: p.Thr190fs; shifts the reading frame from threonine 190.
Molecular consequence: frameshift variant. On other transcripts: intron variant (2).
Genome position (GRCh38, 1-based): chr10:74,525,264, T deleted; the last of 6 consecutive T bases (chr10:74,525,259-74,525,264); deleting any one gives the same sequence. VCF-style (leftmost placement, unchanged base first): chr10-74525258-CT-C. GRCh37 (hg19) VCF-style: chr10-76285016-CT-C.
Other names: c.513del, p.Thr173fs (NM_001123.4); c.459del, p.Thr155fs (NM_001202449.2); c.564del, p.Thr190fs (NM_001369123.1); c.556-64018del (NM_001202450.2); c.505-64018del (NM_001369124.1); c.564delT (NM_006721.3); short protein forms T190fs, T173fs, T155fs.
Identifiers: ClinVar variation 2003521 (VCV002003521.6), dbSNP rs771117099, ClinGen allele CA5564001.

ClinVar aggregate classification (germline): Pathogenic/Likely pathogenic. Review status: criteria provided, multiple submitters, no conflicts (2 of 4 stars). 2 submissions from 2 submitters: Pathogenic (1); Likely pathogenic (1). Last evaluated 2024-12-18.

Conditions:
ADK-related disorder. Also called: ADK-related condition.

Submissions (2):

PreventionGenetics, part of Exact Sciences
Classification: Likely pathogenic for ADK-related condition. Last evaluated: 2024-12-18. Review status: criteria provided, single submitter. Criteria: ACMG Guidelines, 2015. Collection method: clinical testing. Allele origin: germline.
Comment: The ADK c.564delT variant is predicted to result in a frameshift and premature protein termination (p.Thr190Glnfs*8). To our knowledge, this variant has not been reported in the literature. This variant is reported in 0.0031% of alleles in individuals of European (Non-Finnish) descent in gnomAD. Frameshift variants in ADK are expected to be pathogenic. This variant is interpreted as likely pathogenic.

Labcorp Genetics (formerly Invitae), Labcorp
Classification: Pathogenic. Last evaluated: 2021-12-24. Review status: criteria provided, single submitter. Criteria: Invitae Variant Classification Sherloc (09022015). Collection method: clinical testing. Allele origin: germline.
Comment: This variant is present in population databases (rs771117099, gnomAD 0.003%). This variant has not been reported in the literature in individuals affected with ADK-related conditions. For these reasons, this variant has been classified as Pathogenic. This sequence change creates a premature translational stop signal (p.Thr173Glnfs*8) in the ADK gene. It is expected to result in an absent or disrupted protein product. Loss-of-function variants in ADK are known to be pathogenic (PMID: 26642971).

Literature cited by the submitters: PubMed 26642971 (cited by Labcorp Genetics (formerly Invitae), Labcorp).